The following is an entry in ClinVar:

ClinVar aggregate classification (germline): Uncertain significance (1 of 4 stars; one submission).

Conditions:
ALG6-congenital disorder of glycosylation 1C (CDG1C). Also called: CARBOHYDRATE-DEFICIENT GLYCOPROTEIN SYNDROME, TYPE I, WITH DEFICIENT GLYCOSYLATION OF DOLICHOL-LINKED OLIGOSACCHARIDE; CARBOHYDRATE-DEFICIENT GLYCOPROTEIN SYNDROME, TYPE V; CDG Ic; Congenital disorder of glycosylation, type Ic; Congenital disorder of glycosylation type 1C. Identifiers: Orphanet 79320, MedGen C2930997, MONDO:0011291, OMIM 603147.

Allele frequency attached by ClinVar (database versions not stated): gnomAD exomes below 0.00001.

Submission:

Labcorp Genetics (formerly Invitae), Labcorp
Classification: Uncertain significance for ALG6-congenital disorder of glycosylation 1C. Last evaluated: 2021-01-29. Review status: criteria provided, single submitter. Criteria: Invitae Variant Classification Sherloc (09022015). Collection method: clinical testing. Allele origin: germline.
Comment: Algorithms developed to predict the effect of missense changes on protein structure and function are either unavailable or do not agree on the potential impact of this missense change (SIFT: "Deleterious"; PolyPhen-2: "Possibly Damaging"; Align-GVGD: "Class C15"). In summary, the available evidence is currently insufficient to determine the role of this variant in disease. Therefore, it has been classified as a Variant of Uncertain Significance. This variant has not been reported in the literature in individuals with ALG6-related conditions. This variant is not present in population databases (ExAC no frequency). This sequence change replaces asparagine with serine at codon 91 of the ALG6 protein (p.Asn91Ser). The asparagine residue is highly conserved and there is a small physicochemical difference between asparagine and serine.

NM_013339.4(ALG6):c.272A>G (p.Asn91Ser)

Gene: ALG6 (ALG6 alpha-1,3-glucosyltransferase; plus strand). Cytogenetic location: 1p31.3.
Variant type: single nucleotide variant.
Coding change: c.272A>G on transcript NM_013339.4 (MANE Select); coding-DNA position 272, A replaced by G.
Protein change: p.Asn91Ser; replaces asparagine 91 with serine.
Molecular consequence: missense variant.
Genome position (GRCh38, 1-based): chr1:63,404,467, A>G. VCF-style: chr1-63404467-A-G. GRCh37 (hg19) VCF-style: chr1-63870138-A-G.
Other names: short protein forms N91S.
Identifiers: ClinVar variation 1405627 (VCV001405627.8), dbSNP rs2100415389, ClinGen allele CA340634284.